The following is an entry in ClinVar:

ClinVar aggregate classification (germline): Uncertain significance (1 of 4 stars; one submission).

Allele frequency attached by ClinVar (database versions not stated): gnomAD exomes below 0.00001; gnomAD 0.00001; ExAC 0.00002.
gnomAD v4.1: 8 of 1,605,440 alleles (0.0005%); highest among the groups gnomAD compares: Admixed American, 0.0085%; no homozygotes.

Submission:

Ambry Genetics
Classification: Uncertain significance. Last evaluated: 2024-12-20. Review status: criteria provided, single submitter. Criteria: Ambry Variant Classification Scheme 2023. Collection method: clinical testing. Allele origin: germline.
Comment: The p.A1241T variant (also known as c.3721G>A), located in coding exon 16 of the WNK2 gene, results from a G to A substitution at nucleotide position 3721. The alanine at codon 1241 is replaced by threonine, an amino acid with similar properties. This amino acid position is conserved. In addition, this alteration is predicted to be tolerated by in silico analysis. Based on the available evidence, the clinical significance of this variant remains unclear.

NM_006648.4(WNK2):c.3721G>A (p.Ala1241Thr)

Gene: WNK2 (WNK lysine deficient protein kinase 2; plus strand). Cytogenetic location: 9q22.31.
Variant type: single nucleotide variant.
Coding change: c.3721G>A on transcript NM_006648.4 (MANE Select); coding-DNA position 3721, G replaced by A.
Protein change: p.Ala1241Thr; replaces alanine 1241 with threonine.
Molecular consequence: missense variant.
Genome position (GRCh38, 1-based): chr9:93,267,770, G>A. VCF-style: chr9-93267770-G-A. GRCh37 (hg19) VCF-style: chr9-96030052-G-A.
Other names: c.3721G>A, p.Ala1241Thr (NM_001282394.3); short protein forms A1241T.
Identifiers: ClinVar variation 3190634 (VCV003190634.2), dbSNP rs752561971, ClinGen allele CA5130054.